The following is an entry in ClinVar:

NM_002227.4(JAK1):c.2387A>G (p.Asp796Gly)

Gene: JAK1 (Janus kinase 1; minus strand). Cytogenetic location: 1p31.3.
Variant type: single nucleotide variant.
Coding change: c.2387A>G on transcript NM_002227.4 (MANE Select); coding-DNA position 2387, A replaced by G.
Protein change: p.Asp796Gly; replaces aspartic acid 796 with glycine.
Molecular consequence: missense variant.
Genome position (GRCh38, 1-based): chr1:64,844,080, T>C on the plus strand (A>G on the coding strand, the complement: JAK1 is on the minus strand). VCF-style: chr1-64844080-T-C. GRCh37 (hg19) VCF-style: chr1-65309763-T-C.
Other names: c.2387A>G (NM_002227.2); c.2387A>G, p.Asp796Gly (NM_001320923.2, NM_001321852.2, NM_001321853.2 and 3 more transcripts); c.2384A>G, p.Asp795Gly (NM_001321857.2); short protein forms D796G, D795G.
Identifiers: ClinVar variation 1505817 (VCV001505817.7), dbSNP rs940419823, ClinGen allele CA23902562.

ClinVar aggregate classification (germline): Uncertain significance. Review status: criteria provided, multiple submitters, no conflicts (2 of 4 stars). 2 submissions from 2 submitters: Uncertain significance (2). Last evaluated 2024-11-25.

Conditions:
Inborn genetic diseases. Identifiers: MedGen C0950123, MeSH D030342.

Allele frequency attached by ClinVar (database versions not stated): TOPMed 0.00001.

Submissions (2):

Ambry Genetics
Classification: Uncertain significance for Inborn genetic diseases. Last evaluated: 2024-11-25. Review status: criteria provided, single submitter. Criteria: Ambry Variant Classification Scheme 2023. Collection method: clinical testing. Allele origin: germline.

Labcorp Genetics (formerly Invitae), Labcorp
Classification: Uncertain significance. Last evaluated: 2023-12-11. Review status: criteria provided, single submitter. Criteria: Invitae Variant Classification Sherloc (09022015). Collection method: clinical testing. Allele origin: germline.
Comment: This sequence change replaces aspartic acid, which is acidic and polar, with glycine, which is neutral and non-polar, at codon 796 of the JAK1 protein (p.Asp796Gly). This variant is not present in population databases (gnomAD no frequency). This variant has not been reported in the literature in individuals affected with JAK1-related conditions. ClinVar contains an entry for this variant (Variation ID: 1505817). Advanced modeling of protein sequence and biophysical properties (such as structural, functional, and spatial information, amino acid conservation, physicochemical variation, residue mobility, and thermodynamic stability) performed at Invitae indicates that this missense variant is not expected to disrupt JAK1 protein function with a negative predictive value of 80%. In summary, the available evidence is currently insufficient to determine the role of this variant in disease. Therefore, it has been classified as a Variant of Uncertain Significance.